The following is an entry in ClinVar:

ClinVar aggregate classification (germline): Uncertain significance (1 of 4 stars; one submission).

Conditions:
Pierson syndrome. Also called: MICROCORIA-CONGENITAL NEPHROTIC SYNDROME. Identifiers: Orphanet 2670, MedGen C1836876, MONDO:0012184, OMIM 609049.
LAMB2-related infantile-onset nephrotic syndrome. Also called: NEPHROTIC SYNDROME, TYPE 5, WITHOUT OCULAR ABNORMALITIES; NEPHROTIC SYNDROME, TYPE 5, WITH OCULAR ABNORMALITIES; Nephrotic Syndrome, type 5. Identifiers: Orphanet 306507, MedGen C3280113, MONDO:0013621, OMIM 614199.

Allele frequency attached by ClinVar (database versions not stated): gnomAD exomes below 0.00001; gnomAD 0.00005; TOPMed 0.00006; ESP Exome Variant Server 0.00008.
gnomAD v4.1: 13 of 1,614,058 alleles (0.00081%); highest among the groups gnomAD compares: African/African-American, 0.017%; no homozygotes.

Submission:

Labcorp Genetics (formerly Invitae), Labcorp
Classification: Uncertain significance for LAMB2-related infantile-onset nephrotic syndrome; Pierson syndrome. Last evaluated: 2025-06-12. Review status: criteria provided, single submitter. Criteria: Invitae Variant Classification Sherloc (09022015). Collection method: clinical testing. Allele origin: germline.
Comment: This sequence change replaces methionine, which is neutral and non-polar, with valine, which is neutral and non-polar, at codon 619 of the LAMB2 protein (p.Met619Val). This variant is present in population databases (rs367670275, gnomAD 0.02%). This variant has not been reported in the literature in individuals affected with LAMB2-related conditions. ClinVar contains an entry for this variant (Variation ID: 2084255). An algorithm developed to predict the effect of missense changes on protein structure and function (PolyPhen-2) suggests that this variant is likely to be disruptive. In summary, the available evidence is currently insufficient to determine the role of this variant in disease. Therefore, it has been classified as a Variant of Uncertain Significance.

NM_002292.4(LAMB2):c.1855A>G (p.Met619Val)

Gene: LAMB2 (laminin subunit beta 2; minus strand). Cytogenetic location: 3p21.31.
Variant type: single nucleotide variant.
Coding change: c.1855A>G on transcript NM_002292.4 (MANE Select); coding-DNA position 1855, A replaced by G.
Protein change: p.Met619Val; replaces methionine 619 with valine.
Molecular consequence: missense variant.
Genome position (GRCh38, 1-based): chr3:49,128,696, T>C on the plus strand (A>G on the coding strand, the complement: LAMB2 is on the minus strand). VCF-style: chr3-49128696-T-C. GRCh37 (hg19) VCF-style: chr3-49166129-T-C.
Other names: short protein forms M619V.
Identifiers: ClinVar variation 2084255 (VCV002084255.3), dbSNP rs367670275, ClinGen allele CA74485423.